The following is an entry in ClinVar:

ClinVar aggregate classification (germline): Pathogenic (1 of 4 stars; one submission).

Conditions:
Severe myoclonic epilepsy in infancy (DRVT). Also called: Epileptic encephalopathy, early infantile, 6 (Dravet syndrome); SEVERE MYOCLONIC EPILEPSY OF INFANCY; DEVELOPMENTAL AND EPILEPTIC ENCEPHALOPATHY 6A; Severe Myoclonic Epilepsy in Infancy (SMEI); Dravet syndrome. Identifiers: Orphanet 33069, MedGen C0751122, MONDO:0100135, OMIM 607208.

Submission:

Center for Bioinformatics, Peking University
Classification: Pathogenic for Dravet syndrome. Last evaluated: 2014-12-20. Review status: criteria provided, single submitter. Criteria: Xu et al. (Hum Mutat. 2015). Collection method: research. Allele origin: de novo. Affected: yes. Observed: 1 variant allele. Study: University Clinical Cooperation “985 Project” PKU-2014-1-1.
Comment: Dravet syndrome (DS) probands were recruited from the outpatient and inpatient child neurology units of Peking University First Hospital from 2005 till present. The study was approved by the Ethics Committee of Peking University First Hospital and the Institutional Review Board at Peking University. Participants or their parents provided written informed consent before enrollment. We collected a total of 267 mutations from 255 families with probands diagnosed with DS in China. All probands fulfilled the clinical diagnostic criteria.

NM_001165963.4(SCN1A):c.2728C>A (p.Gln910Lys)

Gene: SCN1A (sodium voltage-gated channel alpha subunit 1; minus strand). Cytogenetic location: 2q24.3.
Variant type: single nucleotide variant.
Coding change: c.2728C>A on transcript NM_001165963.4 (MANE Select); coding-DNA position 2728, C replaced by A.
Protein change: p.Gln910Lys; replaces glutamine 910 with lysine.
Molecular consequence: missense variant. On other transcripts: non-coding transcript variant (1).
Genome position (GRCh38, 1-based): chr2:166,037,994, G>T on the plus strand (C>A on the coding strand, the complement: SCN1A is on the minus strand). VCF-style: chr2-166037994-G-T. GRCh37 (hg19) VCF-style: chr2-166894504-G-T.
Other names: c.2644C>A, p.Gln882Lys (NM_001165964.3, NM_001353957.2, NM_001353958.2); c.2728C>A, p.Gln910Lys (NM_001202435.3, NM_001353948.2); c.2695C>A, p.Gln899Lys (NM_001353949.2, NM_001353950.2, NM_001353951.2 and 2 more transcripts); c.2692C>A, p.Gln898Lys (NM_001353954.2, NM_001353955.2); c.2641C>A, p.Gln881Lys (NM_001353960.2); c.286C>A, p.Gln96Lys (NM_001353961.2); short protein forms Q899K, Q910K, Q881K, Q96K, Q898K, Q882K.
Identifiers: ClinVar variation 189874 (VCV000189874.1), dbSNP rs794726721, ClinGen allele CA303174.
Genomic context (GRCh38, chr2:166,037,994, plus strand): 5'-GGAGTTGACAATCACTGGCGATCTTGCAGACACAATCTTTGTAGCTTTTACCAAAGAGCT[G>T]CATGCCGACCACGGCAAAAATGAAGACGATGATGGCCAAGACGAGGGTTAAATTTCCCAG-3'
Protein context (NP_001159435.1, residues 900-920): IVFIFAVVGM[Gln910Lys]LFGKSYKDCV